The following is an entry in ClinVar:

NM_005228.5(EGFR):c.2577C>A (p.Ala859=)

Gene: EGFR (epidermal growth factor receptor; plus strand). Cytogenetic location: 7p11.2.
Variant type: single nucleotide variant.
Coding change: c.2577C>A on transcript NM_005228.5 (MANE Select); coding-DNA position 2577, C replaced by A.
Protein change: p.Ala859=; no amino-acid change (alanine 859 retained).
Molecular consequence: synonymous variant.
Genome position (GRCh38, 1-based): chr7:55,191,826, C>A. VCF-style: chr7-55191826-C-A. GRCh37 (hg19) VCF-style: chr7-55259519-C-A.
Other names: c.2442C>A, p.Ala814= (NM_001346897.2, NM_001346899.2); c.2577C>A, p.Ala859= (NM_001346898.2); c.2418C>A, p.Ala806= (NM_001346900.2); c.1776C>A, p.Ala592= (NM_001346941.2).
Identifiers: ClinVar variation 3015679 (VCV003015679.5), dbSNP rs1006848281, ClinGen allele CA158934264.

ClinVar aggregate classification (germline): Benign/Likely benign. Review status: criteria provided, multiple submitters, no conflicts (2 of 4 stars). 3 submissions from 3 submitters: Benign (1); Likely benign (2). Last evaluated 2025-03-28.

Conditions:
EGFR-related lung cancer (EGFR). Identifiers: MedGen CN130014.
Hereditary cancer-predisposing syndrome. Also called: Neoplastic Syndromes, Hereditary; Tumor predisposition; Hereditary neoplastic syndrome; Hereditary Cancer Syndrome. Identifiers: Orphanet 140162, MedGen C0027672, MeSH D009386, MONDO:0015356.
Lung cancer. Also called: Lung cancer, somatic; Malignant tumor of lung. Identifiers: MedGen C0242379, MONDO:0008903, OMIM 211980.

Allele frequency attached by ClinVar (database versions not stated): gnomAD 0.00001; TOPMed 0.00001.
gnomAD v4.1: 1 of 1,613,962 alleles (0.000062%); highest among the groups gnomAD compares: African/African-American, 0.0013%; no homozygotes.

Submissions (3):

Ambry Genetics
Classification: Likely benign for Hereditary cancer-predisposing syndrome. Last evaluated: 2025-03-28. Review status: criteria provided, single submitter. Criteria: Ambry Variant Classification Scheme 2023. Collection method: clinical testing. Allele origin: germline.

Myriad Genetics, Inc.
Classification: Benign for Lung cancer. Last evaluated: 2024-10-17. Review status: criteria provided, single submitter. Criteria: Myriad Autosomal Dominant, Autosomal Recessive and X-Linked Classification Criteria (2023). Collection method: clinical testing. Allele origin: unknown.
Comment: This variant is considered benign. This variant is a silent/synonymous amino acid change and it is not expected to impact splicing.

Labcorp Genetics (formerly Invitae), Labcorp
Classification: Likely benign for EGFR-related lung cancer. Last evaluated: 2024-06-12. Review status: criteria provided, single submitter. Criteria: Invitae Variant Classification Sherloc (09022015). Collection method: clinical testing. Allele origin: germline.